The following is an entry in ClinVar:

NM_004304.5(ALK):c.4604T>C (p.Leu1535Pro)

Gene: ALK (ALK receptor tyrosine kinase; minus strand). Cytogenetic location: 2p23.2.
Variant type: single nucleotide variant.
Coding change: c.4604T>C on transcript NM_004304.5 (MANE Select); coding-DNA position 4604, T replaced by C.
Protein change: p.Leu1535Pro; replaces leucine 1535 with proline.
Molecular consequence: missense variant.
Genome position (GRCh38, 1-based): chr2:29,193,483, A>G on the plus strand (T>C on the coding strand, the complement: ALK is on the minus strand). VCF-style: chr2-29193483-A-G. GRCh37 (hg19) VCF-style: chr2-29416349-A-G.
Other names: c.1400T>C, p.Leu467Pro (NM_001353765.2); short protein forms L1535P, L467P.
Identifiers: ClinVar variation 4870148 (VCV004870148.1).

ClinVar aggregate classification (germline): Uncertain significance (1 of 4 stars; one submission).

Conditions:
Hereditary cancer-predisposing syndrome. Also called: Neoplastic Syndromes, Hereditary; Tumor predisposition; Hereditary Cancer Syndrome; Hereditary neoplastic syndrome. Identifiers: Orphanet 140162, MedGen C0027672, MeSH D009386, MONDO:0015356.

Submission:

Ambry Genetics
Classification: Uncertain significance for Hereditary cancer-predisposing syndrome. Last evaluated: 2026-04-25. Review status: criteria provided, single submitter. Criteria: Ambry Variant Classification Scheme 2023. Collection method: clinical testing. Allele origin: germline.
Comment: The p.L1535P variant (also known as c.4604T>C), located in coding exon 29 of the ALK gene, results from a T to C substitution at nucleotide position 4604. The leucine at codon 1535 is replaced by proline, an amino acid with similar properties. This amino acid position is conserved. In addition, this alteration is predicted to be tolerated by in silico analysis. Based on the available evidence, the clinical significance of this variant remains unclear.